The following is an entry in ClinVar:

NM_015164.4(PLEKHM2):c.1214G>A (p.Arg405His)

Gene: PLEKHM2 (pleckstrin homology and RUN domain containing M2; plus strand). Cytogenetic location: 1p36.21.
Variant type: single nucleotide variant.
Coding change: c.1214G>A on transcript NM_015164.4 (MANE Select); coding-DNA position 1214, G replaced by A.
Protein change: p.Arg405His; replaces arginine 405 with histidine.
Molecular consequence: missense variant.
Genome position (GRCh38, 1-based): chr1:15,727,286, G>A. VCF-style: chr1-15727286-G-A. GRCh37 (hg19) VCF-style: chr1-16053781-G-A.
Other names: short protein forms R405H.
Identifiers: ClinVar variation 1377512 (VCV001377512.8), dbSNP rs369908043, ClinGen allele CA616889.
Genomic context (GRCh38, chr1:15,727,286, plus strand): 5'-GCAGCGAGCGCTCCGAGCCGGGCCTGCTGATCCCTGAGATGAAGGACACCTCCATGGAGC[G>A]CTTGGGGCAGCCCCTGAGCAAGGTTATCGACCAGCTCAACGGGCAGCTGGACCCCAGCAC-3'
Protein context (NP_055979.2, residues 395-415): IPEMKDTSME[Arg405His]LGQPLSKVID

ClinVar aggregate classification (germline): Uncertain significance (1 of 4 stars; one submission).

Allele frequency attached by ClinVar (database versions not stated): TOPMed 0.00003; gnomAD 0.00004 and 0.00005; gnomAD exomes 0.00004; ExAC 0.00010; 1000 Genomes Project 30x 0.00016; ESP Exome Variant Server 0.00016; 1000 Genomes Project 0.00020.

Submission:

Labcorp Genetics (formerly Invitae), Labcorp
Classification: Uncertain significance. Last evaluated: 2025-07-23. Review status: criteria provided, single submitter. Criteria: Invitae Variant Classification Sherloc (09022015). Collection method: clinical testing. Allele origin: germline.
Comment: This sequence change replaces arginine, which is basic and polar, with histidine, which is basic and polar, at codon 405 of the PLEKHM2 protein (p.Arg405His). This variant is present in population databases (rs369908043, gnomAD 0.02%). This variant has not been reported in the literature in individuals affected with PLEKHM2-related conditions. ClinVar contains an entry for this variant (Variation ID: 1377512). An algorithm developed to predict the effect of missense changes on protein structure and function (PolyPhen-2) suggests that this variant is likely to be tolerated. In summary, the available evidence is currently insufficient to determine the role of this variant in disease. Therefore, it has been classified as a Variant of Uncertain Significance.